The following is an entry in ClinVar:

NM_001035.3(RYR2):c.5623C>G (p.Leu1875Val)

Gene: RYR2 (ryanodine receptor 2; plus strand). Cytogenetic location: 1q43.
Variant type: single nucleotide variant.
Coding change: c.5623C>G on transcript NM_001035.3 (MANE Select); coding-DNA position 5623, C replaced by G.
Protein change: p.Leu1875Val; replaces leucine 1875 with valine.
Molecular consequence: missense variant.
Genome position (GRCh38, 1-based): chr1:237,614,751, C>G. VCF-style: chr1-237614751-C-G. GRCh37 (hg19) VCF-style: chr1-237778051-C-G.
Other names: short protein forms L1875V.
Identifiers: ClinVar variation 928373 (VCV000928373.6), dbSNP rs1262621152, ClinGen allele CA345405513.

ClinVar aggregate classification (germline): Uncertain significance. Review status: criteria provided, multiple submitters, no conflicts (2 of 4 stars). 2 submissions from 2 submitters: Uncertain significance (2). Last evaluated 2024-03-06.

Conditions:
Cardiomyopathy (CMYO). Also called: Cardiomyopathies. Identifiers: Orphanet 167848, MedGen C0878544, MONDO:0004994, HP:0001638. Inheritance: Various modes of inheritance.
Catecholaminergic polymorphic ventricular tachycardia (CVPT). Also called: Catecholamine-induced polymorphic ventricular tachycardia. Identifiers: Orphanet 3286, MedGen C5574922, MONDO:0017990.

Allele frequency attached by ClinVar (database versions not stated): gnomAD below 0.00001 and 0.00001; gnomAD exomes below 0.00001.
gnomAD v4.1: 3 of 1,613,524 alleles (0.00019%); highest among the groups gnomAD compares: South Asian, 0.0011%; no homozygotes.

Submissions (2):

Color Diagnostics, LLC DBA Color Health
Classification: Uncertain significance for Cardiomyopathy. Last evaluated: 2024-03-06. Review status: criteria provided, single submitter. Criteria: ACMG Guidelines, 2015. Collection method: clinical testing. Allele origin: germline.
Comment: This missense variant replaces leucine with valine at codon 1875 of the RYR2 protein. Computational prediction suggests that this variant may not impact protein structure and function (internally defined REVEL score threshold <= 0.5, PMID: 27666373). To our knowledge, functional studies have not been reported for this variant. This variant has not been reported in individuals affected with RYR2-related disorders in the literature. This variant has been identified in 1/244684 chromosomes in the general population by the Genome Aggregation Database (gnomAD). The available evidence is insufficient to determine the role of this variant in disease conclusively. Therefore, this variant is classified as a Variant of Uncertain Significance.

All of Us Research Program, National Institutes of Health
Classification: Uncertain significance for Catecholaminergic polymorphic ventricular tachycardia. Last evaluated: 2023-03-09. Review status: criteria provided, single submitter. Criteria: ACMG Guidelines, 2015. Collection method: clinical testing. Allele origin: germline. Inheritance: Autosomal dominant inheritance. Observed: 1 variant allele, 1 heterozygote.
Comment: Variant of Uncertain Significance due to insufficient evidence: This missense variant replaces leucine with valine at codon 1875 of the RYR2 protein. Computational prediction tools and conservation analyses are inconclusive regarding the impact of this variant on the protein function. Computational splicing tools suggest that this variant may not impact RNA splicing. To our knowledge, functional assays have not been performed for this variant nor has this variant been reported in individuals affected with cardiovascular disorders in the literature. This variant has been identified in 1/244684 chromosomes in the general population by the Genome Aggregation Database (gnomAD). Available evidence is insufficient to determine the role of this variant in disease conclusively.

This study involves interpretation of variants in research participants for the purpose of population health screening. Participant phenotype was not available at the time of variant classification. Additional details can be found in publication PMID: 35346344, PMCID: PMC8962531